The following is an entry in ClinVar:

NM_017777.4(MKS1):c.672C>T (p.Val224=)

Gene: MKS1 (MKS transition zone complex subunit 1; minus strand). Cytogenetic location: 17q22.
Variant type: single nucleotide variant.
Coding change: c.672C>T on transcript NM_017777.4 (MANE Select); coding-DNA position 672, C replaced by T.
Protein change: p.Val224=; no amino-acid change (valine 224 retained).
Molecular consequence: synonymous variant.
Genome position (GRCh38, 1-based): chr17:58,213,842, G>A on the plus strand (C>T on the coding strand, the complement: MKS1 is on the minus strand). VCF-style: chr17-58213842-G-A. GRCh37 (hg19) VCF-style: chr17-56291203-G-A.
Other names: c.63C>T, p.Val21= (NM_001321268.2); c.672C>T, p.Val224= (NM_001321269.2, NM_001330397.2).
Identifiers: ClinVar variation 698377 (VCV000698377.14), dbSNP rs200531517, ClinGen allele CA292013242.
Genomic context (GRCh38, chr17:58,213,842, plus strand): 5'-GCCCGTGAAGTCAGGCTTTACTGTGATCACACCATTGCTATCCACCTTCAGAGTACACAG[G>A]ACATGTTCATACTTCTTATAGCCAAGCCTAGAAATCAGGAAAACACCAAGGTTGAGGTCA-3'
Protein context (NP_060247.2, residues 214-234): KKLGYKKYEH[Val224=]LCTLKVDSNG

ClinVar aggregate classification (germline): Likely benign. Review status: criteria provided, multiple submitters, no conflicts (2 of 4 stars). 3 submissions from 3 submitters: Likely benign (2). 1 of the submissions does not count toward it. Last evaluated 2026-01-22.

Conditions:
Meckel-Gruber syndrome. Also called: DYSENCEPHALIA SPLANCHNOCYSTICA; GRUBER SYNDROME; Dysencephalia splachnocystica. Identifiers: Orphanet 564, MedGen C0265215, MONDO:0018921.
Joubert syndrome. Also called: JOUBERT-BOLTSHAUSER SYNDROME; Familial aplasia of the vermis. Identifiers: Orphanet 475, MedGen C5979921, MONDO:0018772.
MKS1-related disorder. Also called: MKS1-related condition; MKS1-related disorders. Identifiers: MedGen CN239382.

Allele frequency attached by ClinVar (database versions not stated): gnomAD exomes below 0.00001 and 0.00001; gnomAD 0.00001; TOPMed 0.00002.
gnomAD v4.1: 21 of 1,613,854 alleles (0.0013%); highest among the groups gnomAD compares: Non-Finnish European, 0.0018%; no homozygotes.

Submissions (3):

Labcorp Genetics (formerly Invitae), Labcorp
Classification: Likely benign for Joubert syndrome; Meckel-Gruber syndrome. Last evaluated: 2026-01-22. Review status: criteria provided, single submitter. Criteria: Invitae Variant Classification Sherloc (09022015). Collection method: clinical testing. Allele origin: germline.

Blueprint Genetics
Classification: Likely benign. Last evaluated: 2024-09-25. Review status: criteria provided, single submitter. Criteria: ACMG Guidelines, 2015. Collection method: clinical testing. Allele origin: germline.

PreventionGenetics, part of Exact Sciences
Classification: Likely benign for MKS1-related condition. Last evaluated: 2022-11-18. Review status: no assertion criteria provided. Collection method: clinical testing. Allele origin: germline. Not counted in ClinVar's aggregate classification.
Comment: This variant is classified as likely benign based on ACMG/AMP sequence variant interpretation guidelines (Richards et al. 2015 PMID: 25741868, with internal and published modifications).